The following is an entry in ClinVar:

NM_018249.6(CDK5RAP2):c.3006C>T (p.Pro1002=)

Gene: CDK5RAP2 (CDK5 regulatory subunit associated protein 2; minus strand). Cytogenetic location: 9q33.2.
Variant type: single nucleotide variant.
Coding change: c.3006C>T on transcript NM_018249.6 (MANE Select); coding-DNA position 3006, C replaced by T.
Protein change: p.Pro1002=; no amino-acid change (proline 1002 retained).
Molecular consequence: synonymous variant. On other transcripts: non-coding transcript variant (5).
Genome position (GRCh38, 1-based): chr9:120,447,914, G>A on the plus strand (C>T on the coding strand, the complement: CDK5RAP2 is on the minus strand). VCF-style: chr9-120447914-G-A. GRCh37 (hg19) VCF-style: chr9-123210192-G-A.
Other names: c.3006C>T, p.Pro1002= (NM_001011649.3); c.2316C>T, p.Pro772= (NM_001272039.2); c.2907C>T, p.Pro969= (NM_001410992.1); c.2910C>T, p.Pro970= (NM_001410993.1); c.3003C>T, p.Pro1001= (NM_001410994.1).
Identifiers: ClinVar variation 2889348 (VCV002889348.11), dbSNP rs149463541, ClinGen allele CA5213939.

ClinVar aggregate classification (germline): Likely benign. Review status: criteria provided, multiple submitters, no conflicts (2 of 4 stars). 2 submissions from 2 submitters: Likely benign (2). Last evaluated 2026-02-01.

Allele frequency attached by ClinVar (database versions not stated): 1000 Genomes Project 30x 0.00016; 1000 Genomes Project 0.00020.
gnomAD v4.1: 93 of 1,613,954 alleles (0.0058%); highest among the groups gnomAD compares: South Asian, 0.063%; no homozygotes.

Submissions (2):

CeGaT Center for Human Genetics Tuebingen
Classification: Likely benign. Last evaluated: 2026-02-01. Review status: criteria provided, single submitter. Criteria: CeGaT Center For Human Genetics Tuebingen Variant Classification Criteria Version 2. Collection method: clinical testing. Allele origin: germline. Affected: yes. Observed: 2 variant alleles.
Comment: CDK5RAP2: BP4, BP7

Labcorp Genetics (formerly Invitae), Labcorp
Classification: Likely benign. Last evaluated: 2023-09-11. Review status: criteria provided, single submitter. Criteria: Invitae Variant Classification Sherloc (09022015). Collection method: clinical testing. Allele origin: germline.